The following is an entry in ClinVar:

NM_005591.4(MRE11):c.1545A>T (p.Glu515Asp)

Gene: MRE11 (MRE11 double strand break repair nuclease; minus strand). Cytogenetic location: 11q21.
Variant type: single nucleotide variant.
Coding change: c.1545A>T on transcript NM_005591.4 (MANE Select); coding-DNA position 1545, A replaced by T.
Protein change: p.Glu515Asp; replaces glutamic acid 515 with aspartic acid.
Molecular consequence: missense variant.
Genome position (GRCh38, 1-based): chr11:94,456,294, T>A on the plus strand (A>T on the coding strand, the complement: MRE11 is on the minus strand). VCF-style: chr11-94456294-T-A. GRCh37 (hg19) VCF-style: chr11-94189460-T-A.
Other names: c.1545A>T (NM_005591.3); c.1545A>T, p.Glu515Asp (NM_001330347.2, NM_005590.4); short protein forms E515D.
Identifiers: ClinVar variation 1054115 (VCV001054115.8), dbSNP rs886048759, ClinGen allele CA382370707.

ClinVar aggregate classification (germline): Uncertain significance. Review status: criteria provided, multiple submitters, no conflicts (2 of 4 stars). 3 submissions from 3 submitters: Uncertain significance (3). Last evaluated 2024-11-15.

Conditions:
Ataxia-telangiectasia-like disorder (ATLD). Identifiers: MedGen C1858391, MONDO:0011457.
Hereditary cancer-predisposing syndrome. Also called: Hereditary Cancer Syndrome; Tumor predisposition; Hereditary neoplastic syndrome; Neoplastic Syndromes, Hereditary. Identifiers: Orphanet 140162, MedGen C0027672, MeSH D009386, MONDO:0015356.

Submissions (3):

Ambry Genetics
Classification: Uncertain significance for Hereditary cancer-predisposing syndrome. Last evaluated: 2024-11-15. Review status: criteria provided, single submitter. Criteria: Ambry Variant Classification Scheme 2023. Collection method: clinical testing. Allele origin: germline.
Comment: The p.E515D variant (also known as c.1545A>T), located in coding exon 13 of the MRE11A gene, results from an A to T substitution at nucleotide position 1545. The glutamic acid at codon 515 is replaced by aspartic acid, an amino acid with highly similar properties. This amino acid position is conserved. In addition, the in silico prediction for this alteration is inconclusive. Based on the available evidence, the clinical significance of this variant remains unclear.

Women's Health and Genetics/Laboratory Corporation of America, LabCorp
Classification: Uncertain significance. Last evaluated: 2024-08-19. Review status: criteria provided, single submitter. Criteria: LabCorp Variant Classification Summary - May 2015. Collection method: clinical testing. Allele origin: germline.
Comment: Variant summary: MRE11A c.1545A>T (p.Glu515Asp) results in a conservative amino acid change in the encoded protein sequence. Four of five in-silico tools predict a benign effect of the variant on protein function. The variant was absent in 1613638 control chromosomes. The available data on variant occurrences in the general population are insufficient to allow any conclusion about variant significance. To our knowledge, no occurrence of c.1545A>T in individuals affected with Hereditary Breast And Ovarian Cancer Syndrome and no experimental evidence demonstrating its impact on protein function have been reported. ClinVar contains an entry for this variant (Variation ID: 1054115). Based on the evidence outlined above, the variant was classified as uncertain significance.

Labcorp Genetics (formerly Invitae), Labcorp
Classification: Uncertain significance for Ataxia-telangiectasia-like disorder. Last evaluated: 2022-10-18. Review status: criteria provided, single submitter. Criteria: Invitae Variant Classification Sherloc (09022015). Collection method: clinical testing. Allele origin: germline.
Comment: This sequence change replaces glutamic acid, which is acidic and polar, with aspartic acid, which is acidic and polar, at codon 515 of the MRE11 protein (p.Glu515Asp). This variant is not present in population databases (gnomAD no frequency). This variant has not been reported in the literature in individuals affected with MRE11-related conditions. ClinVar contains an entry for this variant (Variation ID: 1054115). Algorithms developed to predict the effect of missense changes on protein structure and function (SIFT, PolyPhen-2, Align-GVGD) all suggest that this variant is likely to be tolerated. In summary, the available evidence is currently insufficient to determine the role of this variant in disease. Therefore, it has been classified as a Variant of Uncertain Significance.